The following is an entry in ClinVar:

NM_000274.4(OAT):c.413C>T (p.Pro138Leu)

Gene: OAT (ornithine aminotransferase; minus strand). Cytogenetic location: 10q26.13.
Variant type: single nucleotide variant.
Coding change: c.413C>T on transcript NM_000274.4 (MANE Select); coding-DNA position 413, C replaced by T.
Protein change: p.Pro138Leu; replaces proline 138 with leucine.
Molecular consequence: missense variant. On other transcripts: 5 prime UTR variant (2), intron variant (1).
Genome position (GRCh38, 1-based): chr10:124,408,752, G>A on the plus strand (C>T on the coding strand, the complement: OAT is on the minus strand). VCF-style: chr10-124408752-G-A. GRCh37 (hg19) VCF-style: chr10-126097321-G-A.
Other names: c.-2C>T (NM_001171814.2); c.413C>T, p.Pro138Leu (NM_001322965.2, NM_001322966.2, NM_001322967.2 and 3 more transcripts); c.-302C>T (NM_001322974.2); c.200-3189C>T (NM_001322971.2); short protein forms P138L.
Identifiers: ClinVar variation 858366 (VCV000858366.12), dbSNP rs1951673489, ClinGen allele CA378637119.
Genomic context (GRCh38, chr10:124,408,752, plus strand): 5'-TAAAAAGATTATTTTTGAGGGTATTTAACAAAAAAAGGAAATGTTTTACCTGTATTCATA[G>A]GAAGAACTTTGTGGTAGTTGAAAAGTTTAGTAATATACTCCTCATATTCACCAAGTACGT-3'
Protein context (NP_000265.1, residues 128-148): TKLFNYHKVL[Pro138Leu]MNTGVEAGET

ClinVar aggregate classification (germline): Uncertain significance. Review status: criteria provided, multiple submitters, no conflicts (2 of 4 stars). 3 submissions from 3 submitters: Uncertain significance (2). 1 of the submissions does not count toward it. Last evaluated 2022-01-24.

Conditions:
Ornithine aminotransferase deficiency (GACR). Also called: OAT DEFICIENCY; OKT DEFICIENCY; Ornithine ketoacid aminotransferase deficiency; Gyrate atrophy; Gyrate atrophy of choroid and retina; Girate atrophy of the retina. Identifiers: Orphanet 414, MedGen C0018425, MONDO:0009796, OMIM 258870.

Allele frequency attached by ClinVar (database versions not stated): gnomAD exomes below 0.00001.
gnomAD v4.1: 1 of 1,605,614 alleles (0.000062%); highest among the groups gnomAD compares: Middle Eastern, 0.019%; no homozygotes.

Submissions (3):

Labcorp Genetics (formerly Invitae), Labcorp
Classification: Uncertain significance for Ornithine aminotransferase deficiency. Last evaluated: 2022-01-24. Review status: criteria provided, single submitter. Criteria: Invitae Variant Classification Sherloc (09022015). Collection method: clinical testing. Allele origin: germline.
Comment: This sequence change replaces proline, which is neutral and non-polar, with leucine, which is neutral and non-polar, at codon 138 of the OAT protein (p.Pro138Leu). This variant is not present in population databases (gnomAD no frequency). This variant has not been reported in the literature in individuals affected with OAT-related conditions. ClinVar contains an entry for this variant (Variation ID: 858366). Algorithms developed to predict the effect of missense changes on protein structure and function (SIFT, PolyPhen-2, Align-GVGD) all suggest that this variant is likely to be disruptive. In summary, the available evidence is currently insufficient to determine the role of this variant in disease. Therefore, it has been classified as a Variant of Uncertain Significance.

DBGen Ocular Genomics
Classification: Uncertain significance for Ornithine aminotransferase deficiency. Last evaluated: 2021-01-01. Review status: criteria provided, single submitter. Criteria: ACMG Guidelines, 2015. Collection method: clinical testing. Allele origin: unknown. Inheritance: Autosomal recessive inheritance. Affected: yes.
Comment: Class 3 ACMG Guidelines, 2015

Natera, Inc.
Classification: Uncertain significance for Gyrate atrophy. Last evaluated: 2020-10-12. Review status: no assertion criteria provided. Collection method: clinical testing. Allele origin: germline. Not counted in ClinVar's aggregate classification.